The following is an entry in ClinVar:

ClinVar aggregate classification (germline): Uncertain significance (1 of 4 stars; one submission).

Conditions:
Hereditary diffuse gastric adenocarcinoma (HDGC). Also called: DIFFUSE GASTRIC AND LOBULAR BREAST CANCER SYNDROME. Identifiers: Orphanet 26106, MedGen C1708349, MONDO:0007648, OMIM 137215.

Submission:

Labcorp Genetics (formerly Invitae), Labcorp
Classification: Uncertain significance for Hereditary diffuse gastric adenocarcinoma. Last evaluated: 2021-11-12. Review status: criteria provided, single submitter. Criteria: Invitae Variant Classification Sherloc (09022015). Collection method: clinical testing. Allele origin: germline.
Comment: In summary, the available evidence is currently insufficient to determine the role of this variant in disease. Therefore, it has been classified as a Variant of Uncertain Significance. Algorithms developed to predict the effect of missense changes on protein structure and function are either unavailable or do not agree on the potential impact of this missense change (SIFT: "Tolerated"; PolyPhen-2: "Possibly Damaging"; Align-GVGD: "Class C0"). ClinVar contains an entry for this variant (Variation ID: 463774). This variant has not been reported in the literature in individuals affected with CDH1-related conditions. This variant is present in population databases (rs779313390, gnomAD 0.004%). This sequence change replaces proline, which is neutral and non-polar, with threonine, which is neutral and polar, at codon 88 of the CDH1 protein (p.Pro88Thr).

NM_004360.5(CDH1):c.262C>A (p.Pro88Thr)

Gene: CDH1 (cadherin 1; plus strand). Cytogenetic location: 16q22.1.
Variant type: single nucleotide variant.
Coding change: c.262C>A on transcript NM_004360.5 (MANE Select); coding-DNA position 262, C replaced by A.
Protein change: p.Pro88Thr; replaces proline 88 with threonine.
Molecular consequence: missense variant. On other transcripts: 5 prime UTR variant (2).
Genome position (GRCh38, 1-based): chr16:68,801,768, C>A. VCF-style: chr16-68801768-C-A. GRCh37 (hg19) VCF-style: chr16-68835671-C-A.
Other names: c.262C>A (LRG_301t1); c.262C>A, p.Pro88Thr (NM_001317184.2); c.-1354C>A (NM_001317185.2); c.-1558C>A (NM_001317186.2); short protein forms P88T.
Identifiers: ClinVar variation 463774 (VCV000463774.7), dbSNP rs779313390, ClinGen allele CA8129819.